The following is an entry in ClinVar:

ClinVar aggregate classification (germline): Uncertain significance (1 of 4 stars; one submission).

Allele frequency attached by ClinVar (database versions not stated): ExAC 0.00001; gnomAD exomes 0.00002.

Submission:

Labcorp Genetics (formerly Invitae), Labcorp
Classification: Uncertain significance. Last evaluated: 2024-04-03. Review status: criteria provided, single submitter. Criteria: Invitae Variant Classification Sherloc (09022015). Collection method: clinical testing. Allele origin: germline.
Comment: This sequence change replaces methionine, which is neutral and non-polar, with valine, which is neutral and non-polar, at codon 172 of the RORB protein (p.Met172Val). This variant is present in population databases (rs767976733, gnomAD 0.004%). This variant has not been reported in the literature in individuals affected with RORB-related conditions. ClinVar contains an entry for this variant (Variation ID: 1353599). Algorithms developed to predict the effect of missense changes on protein structure and function output the following: SIFT: "Not Available"; PolyPhen-2: "Benign"; Align-GVGD: "Not Available". The valine amino acid residue is found in multiple mammalian species, which suggests that this missense change does not adversely affect protein function. In summary, the available evidence is currently insufficient to determine the role of this variant in disease. Therefore, it has been classified as a Variant of Uncertain Significance.

NM_006914.4(RORB):c.514A>G (p.Met172Val)

Gene: RORB (RAR related orphan receptor B; plus strand). Cytogenetic location: 9q21.13.
Variant type: single nucleotide variant.
Coding change: c.514A>G on transcript NM_006914.4 (MANE Select); coding-DNA position 514, A replaced by G.
Protein change: p.Met172Val; replaces methionine 172 with valine.
Molecular consequence: missense variant.
Genome position (GRCh38, 1-based): chr9:74,642,692, A>G. VCF-style: chr9-74642692-A-G. GRCh37 (hg19) VCF-style: chr9-77257608-A-G.
Other names: c.547A>G, p.Met183Val (NM_001365023.1); short protein forms M183V, M172V.
Identifiers: ClinVar variation 1353599 (VCV001353599.8), dbSNP rs767976733, ClinGen allele CA5083385.